The following is an entry in ClinVar:

NM_005012.4(ROR1):c.981G>C (p.Val327=)

Gene: ROR1 (ROR family WNT receptor 1; plus strand). Cytogenetic location: 1p31.3.
Variant type: single nucleotide variant.
Coding change: c.981G>C on transcript NM_005012.4 (MANE Select); coding-DNA position 981, G replaced by C.
Protein change: p.Val327=; no amino-acid change (valine 327 retained).
Molecular consequence: synonymous variant.
Genome position (GRCh38, 1-based): chr1:64,142,457, G>C. VCF-style: chr1-64142457-G-C. GRCh37 (hg19) VCF-style: chr1-64608140-G-C.
Other names: c.981G>C, p.Val327= (NM_001083592.2); c.981G>C (NM_005012.3).
Identifiers: ClinVar variation 1577843 (VCV001577843.9), dbSNP rs141581176, ClinGen allele CA890193.

ClinVar aggregate classification (germline): Likely benign. Review status: criteria provided, multiple submitters, no conflicts (2 of 4 stars). 2 submissions from 2 submitters: Likely benign (2). Last evaluated 2026-07-15.

Conditions:
ROR1-related disorder. Also called: ROR1-related condition.

Allele frequency attached by ClinVar (database versions not stated): gnomAD 0.00007 and 0.00008; TOPMed 0.00009; ExAC 0.00012; gnomAD exomes 0.00013; ESP Exome Variant Server 0.00031.
gnomAD v4.1: 274 of 1,613,986 alleles (0.017%); highest among the groups gnomAD compares: Non-Finnish European, 0.02%; no homozygotes.

Submissions (2):

PreventionGenetics, part of Exact Sciences
Classification: Likely benign for ROR1-related condition. Last evaluated: 2026-07-15. Review status: criteria provided, single submitter. Criteria: ACMG Guidelines, 2015. Collection method: clinical testing. Allele origin: germline.
Comment: This variant is classified as likely benign based on ACMG/AMP sequence variant interpretation guidelines (Richards et al. 2015 PMID: 25741868, with internal and published modifications).

Labcorp Genetics (formerly Invitae), Labcorp
Classification: Likely benign. Last evaluated: 2024-09-10. Review status: criteria provided, single submitter. Criteria: Invitae Variant Classification Sherloc (09022015). Collection method: clinical testing. Allele origin: germline.